The following is an entry in ClinVar:

ClinVar aggregate classification (germline): Uncertain significance (1 of 4 stars; one submission).

Conditions:
Cardiovascular phenotype. Identifiers: MedGen CN230736.

gnomAD v4.1: 8 of 1,614,024 alleles (0.0005%); highest among the groups gnomAD compares: Non-Finnish European, 0.00068%; no homozygotes.

Submission:

Ambry Genetics
Classification: Uncertain significance for Cardiovascular phenotype. Last evaluated: 2023-06-06. Review status: criteria provided, single submitter. Criteria: Ambry Variant Classification Scheme 2023. Collection method: clinical testing. Allele origin: germline.
Comment: The c.1738-5G>A intronic variant results from a G to A substitution 5 nucleotides upstream from coding exon 6 in the HCN4 gene. This nucleotide position is poorly conserved in available vertebrate species. In silico splice site analysis predicts that this alteration will result in the creation or strengthening of a novel splice acceptor site. Since supporting evidence is limited at this time, the clinical significance of this alteration remains unclear.

NM_005477.3(HCN4):c.1738-5G>A

Gene: HCN4 (hyperpolarization activated cyclic nucleotide gated potassium channel 4; minus strand). Cytogenetic location: 15q24.1.
Variant type: single nucleotide variant.
Coding change: c.1738-5G>A on transcript NM_005477.3 (MANE Select); 5 bases into the intron before coding-DNA position 1738, G replaced by A.
Molecular consequence: intron variant.
Genome position (GRCh38, 1-based): chr15:73,325,200, C>T on the plus strand (G>A on the coding strand, the complement: HCN4 is on the minus strand). VCF-style: chr15-73325200-C-T. GRCh37 (hg19) VCF-style: chr15-73617541-C-T.
Identifiers: ClinVar variation 1779118 (VCV001779118.3), dbSNP rs2151215513, ClinGen allele CA2575783889.